The following is an entry in ClinVar:

NM_170601.5(SIAE):c.634G>A (p.Gly212Arg)

Gene: SIAE (sialic acid acetylesterase; minus strand). Cytogenetic location: 11q24.2.
Variant type: single nucleotide variant.
Coding change: c.634G>A on transcript NM_170601.5 (MANE Select); coding-DNA position 634, G replaced by A.
Protein change: p.Gly212Arg; replaces glycine 212 with arginine.
Molecular consequence: missense variant.
Genome position (GRCh38, 1-based): chr11:124,649,707, C>T on the plus strand (G>A on the coding strand, the complement: SIAE is on the minus strand). VCF-style: chr11-124649707-C-T. GRCh37 (hg19) VCF-style: chr11-124519603-C-T.
Other names: c.529G>A, p.Gly177Arg (NM_001199922.2); short protein forms G177R, G212R.
Identifiers: ClinVar variation 418490 (VCV000418490.11), dbSNP rs149466359, ClinGen allele CA6341456.

ClinVar aggregate classification (germline): Conflicting classifications of pathogenicity. Review status: criteria provided, conflicting classifications (1 of 4 stars). 2 submissions from 2 submitters: Uncertain significance (1); Likely benign (1). Last evaluated 2026-02-02.

Allele frequency attached by ClinVar (database versions not stated): ExAC 0.00013; gnomAD 0.00013 and 0.00014; TOPMed 0.00014; ESP Exome Variant Server 0.00023; gnomAD exomes 0.00024.
gnomAD v4.1: 225 of 1,614,064 alleles (0.014%); highest among the groups gnomAD compares: African/African-American, 0.0067%; no homozygotes.

Submissions (3):

Labcorp Genetics (formerly Invitae), Labcorp
Classification: Likely benign. Last evaluated: 2026-02-02. Review status: criteria provided, single submitter. Criteria: Invitae Variant Classification Sherloc (09022015). Collection method: clinical testing. Allele origin: germline.

GeneDx
Classification: Uncertain significance. Last evaluated: 2017-03-30. Review status: criteria provided, single submitter. Criteria: GeneDx Variant Classification (06012015). Collection method: clinical testing. Allele origin: germline. Affected: yes.
Comment: The G212R variant in the SIAE gene has been reported previously as a heterozygous loss of function, dominant negative variant that increases susceptibility to autoimmune disease (Surolia et al., 2010). The G212R variant is observed in 15/66736 (0.02%) alleles from individuals of non-Finnish European background, in the ExAC dataset (Lek et al., 2016). The G212R variant is a non-conservative amino acid substitution, which is likely to impact secondary protein structure as these residues differ in polarity, charge, size and/or other properties. This substitution occurs at a position that is conserved across species, and in silico analysis predicts this variant is probably damaging to the protein structure/function. We interpret G212R as a variant of uncertain significance.

Dr. Peter K. Rogan Lab, Western University
No classification provided (evidence only). Condition: Malignant tumor of urinary bladder. Review status: no classification provided. Collection method: in vitro. Allele origin: not applicable. Functional consequence: retained intron. Not counted in ClinVar's aggregate classification.